The following is an entry in ClinVar:

NM_000421.5(KRT10):c.953T>C (p.Leu318Pro)

Genes: KRT10 (keratin 10; minus strand), KRT10-AS1 (KRT10 antisense RNA 1; plus strand), LOC126862559 (BRD4-independent group 4 enhancer GRCh37_chr17:38975907-38977106; plus strand). Cytogenetic location: 17q21.2.
Variant type: single nucleotide variant.
Coding change: c.953T>C on transcript NM_000421.5 (MANE Select); coding-DNA position 953, T replaced by C.
Protein change: p.Leu318Pro; replaces leucine 318 with proline.
Molecular consequence: missense variant.
Genome position (GRCh38, 1-based): chr17:40,820,338, A>G on the plus strand (T>C on the coding strand, the complement: KRT10 is on the minus strand). VCF-style: chr17-40820338-A-G. GRCh37 (hg19) VCF-style: chr17-38976590-A-G.
Other names: c.953T>C, p.Leu318Pro (NM_001379366.1); short protein forms L318P.
Identifiers: ClinVar variation 3651700 (VCV003651700.2).

ClinVar aggregate classification (germline): Uncertain significance (1 of 4 stars; one submission).

Submission:

Labcorp Genetics (formerly Invitae), Labcorp
Classification: Uncertain significance. Last evaluated: 2024-08-28. Review status: criteria provided, single submitter. Criteria: Invitae Variant Classification Sherloc (09022015). Collection method: clinical testing. Allele origin: germline.
Comment: This sequence change replaces leucine, which is neutral and non-polar, with proline, which is neutral and non-polar, at codon 318 of the KRT10 protein (p.Leu318Pro). This variant is not present in population databases (gnomAD no frequency). This variant has not been reported in the literature in individuals affected with KRT10-related conditions. Invitae Evidence Modeling of protein sequence and biophysical properties (such as structural, functional, and spatial information, amino acid conservation, physicochemical variation, residue mobility, and thermodynamic stability) indicates that this missense variant is expected to disrupt KRT10 protein function with a positive predictive value of 95%. In summary, the available evidence is currently insufficient to determine the role of this variant in disease. Therefore, it has been classified as a Variant of Uncertain Significance.